The following is an entry in ClinVar:

NM_001242896.3(DEPDC5):c.3612C>G (p.Cys1204Trp)

Gene: DEPDC5 (DEP domain containing 5, GATOR1 subcomplex subunit; plus strand). Cytogenetic location: 22q12.3.
Variant type: single nucleotide variant.
Coding change: c.3612C>G on transcript NM_001242896.3 (MANE Select); coding-DNA position 3612, C replaced by G.
Protein change: p.Cys1204Trp; replaces cysteine 1204 with tryptophan.
Molecular consequence: missense variant. On other transcripts: non-coding transcript variant (4).
Genome position (GRCh38, 1-based): chr22:31,874,321, C>G. VCF-style: chr22-31874321-C-G. GRCh37 (hg19) VCF-style: chr22-32270307-C-G.
Other names: c.3585C>G, p.Cys1195Trp (NM_001136029.4); c.3312C>G, p.Cys1104Trp (NM_001242897.2); c.3546C>G, p.Cys1182Trp (NM_001363852.2, NM_001364320.2); c.3378C>G, p.Cys1126Trp (NM_001363854.2, NM_001364319.2); c.3612C>G, p.Cys1204Trp (NM_001364318.2); c.3528C>G, p.Cys1176Trp (NM_001369901.1, NM_001369902.1); c.3519C>G, p.Cys1173Trp (NM_001369903.1, NM_014662.6); short protein forms C1126W, C1176W, C1182W, C1195W, C1173W, C1204W, C1104W.
Identifiers: ClinVar variation 1027727 (VCV001027727.2), dbSNP rs2092932762, ClinGen allele CA411277747.

ClinVar aggregate classification (germline): Uncertain significance. Review status: criteria provided, multiple submitters, no conflicts (2 of 4 stars). 2 submissions from 2 submitters: Uncertain significance (2). Last evaluated 2020-01-23.

Conditions:
Epilepsy, familial focal, with variable foci 1 (FFEVF1). Also called: DEPDC5-Related Epilepsy. Identifiers: MedGen C4551983, MONDO:0024556, OMIM 604364.

Submissions (2):

Baylor Genetics
Classification: Uncertain significance for Epilepsy, familial focal, with variable foci 1. Last evaluated: 2020-01-23. Review status: criteria provided, single submitter. Criteria: ACMG Guidelines, 2015. Collection method: clinical testing. Allele origin: unknown. Affected: yes.
Comment: This variant was determined to be of uncertain significance according to ACMG Guidelines, 2015 [PMID:25741868].

Breakthrough Genomics
Classification: Uncertain significance. Review status: criteria provided, single submitter. Criteria: ACMG Guidelines, 2015. Collection method: not provided. Allele origin: germline. Inheritance: Autosomal dominant inheritance. Affected: yes.